The following is an entry in ClinVar:

ClinVar aggregate classification (germline): Conflicting classifications of pathogenicity. Review status: criteria provided, conflicting classifications (1 of 4 stars). 2 submissions from 2 submitters: Uncertain significance (1); Likely benign (1). Last evaluated 2025-07-18.

Conditions:
Peutz-Jeghers syndrome (PJS). Also called: POLYPOSIS, HAMARTOMATOUS INTESTINAL; POLYPS-AND-SPOTS SYNDROME; Peutz-Jeghers polyposis; Periorificial lentiginosis syndrome. Identifiers: Orphanet 2869, MedGen C0031269, MeSH D010580, MONDO:0008280, OMIM 175200.
Hereditary cancer-predisposing syndrome. Also called: Hereditary Cancer Syndrome; Hereditary neoplastic syndrome; Tumor predisposition; Neoplastic Syndromes, Hereditary. Identifiers: Orphanet 140162, MedGen C0027672, MeSH D009386, MONDO:0015356.

gnomAD v4.1: 1 of 1,609,752 alleles (0.000062%); highest among the groups gnomAD compares: Non-Finnish European, 0.000085%; no homozygotes.

Submissions (2):

Ambry Genetics
Classification: Likely benign for Hereditary cancer-predisposing syndrome. Last evaluated: 2025-07-18. Review status: criteria provided, single submitter. Criteria: Ambry Variant Classification Scheme 2023. Collection method: clinical testing. Allele origin: germline.

Labcorp Genetics (formerly Invitae), Labcorp
Classification: Uncertain significance for Peutz-Jeghers syndrome. Last evaluated: 2019-01-08. Review status: criteria provided, single submitter. Criteria: Invitae Variant Classification Sherloc (09022015). Collection method: clinical testing. Allele origin: germline.
Comment: In summary, the available evidence is currently insufficient to determine the role of this variant in disease. Therefore, it has been classified as a Variant of Uncertain Significance. Algorithms developed to predict the effect of missense changes on protein structure and function (SIFT, PolyPhen-2, Align-GVGD) all suggest that this variant is likely to be tolerated, but these predictions have not been confirmed by published functional studies and their clinical significance is uncertain. This variant has not been reported in the literature in individuals with STK11-related conditions. ClinVar contains an entry for this variant (Variation ID: 458067). This variant is not present in population databases (ExAC no frequency). This sequence change replaces proline with serine at codon 281 of the STK11 protein (p.Pro281Ser). The proline residue is moderately conserved and there is a moderate physicochemical difference between proline and serine.

NM_000455.5(STK11):c.841C>T (p.Pro281Ser)

Gene: STK11 (serine/threonine kinase 11; plus strand). Cytogenetic location: 19p13.3.
Variant type: single nucleotide variant.
Coding change: c.841C>T on transcript NM_000455.5 (MANE Select); coding-DNA position 841, C replaced by T.
Protein change: p.Pro281Ser; replaces proline 281 with serine.
Molecular consequence: missense variant.
Genome position (GRCh38, 1-based): chr19:1,221,319, C>T. VCF-style: chr19-1221319-C-T. GRCh37 (hg19) VCF-style: chr19-1221318-C-T.
Other names: short protein forms P281S.
Identifiers: ClinVar variation 458067 (VCV000458067.9), dbSNP rs377208033, ClinGen allele CA402950706.